The following is an entry in ClinVar:

ClinVar aggregate classification (germline): Conflicting classifications of pathogenicity. Review status: criteria provided, conflicting classifications (1 of 4 stars). 7 submissions from 7 submitters: Uncertain significance (1); Benign (1); Likely benign (4). 1 of the submissions does not count toward it. Last evaluated 2026-01-28.

Conditions:
FOLR1-related disorder. Also called: FOLR1-related condition.
Inborn genetic diseases. Identifiers: MedGen C0950123, MeSH D030342.
Cerebral folate transport deficiency. Also called: NEURODEGENERATION DUE TO CEREBRAL FOLATE TRANSPORT DEFICIENCY; Cerebral folate deficiency syndrome; FOLR1-Related Cerebral Folate Transport Deficiency; Neurodegenerative syndrome due to cerebral folate transport deficiency; FOLATE RECEPTOR DEFICIENCY. Identifiers: Orphanet 217382, MedGen C2751584, MONDO:0013110, OMIM 613068. Disease mechanism: loss of function.

Allele frequency attached by ClinVar (database versions not stated): gnomAD 0.00001 and 0.00013; TOPMed 0.00002; ESP Exome Variant Server 0.00008; gnomAD exomes 0.00024 and 0.00055; ExAC 0.00056; 1000 Genomes Project 30x 0.00078; 1000 Genomes Project 0.00080.
gnomAD v4.1: 383 of 1,614,202 alleles (0.024%); highest among the groups gnomAD compares: South Asian, 0.39%; 4 homozygotes.

Submissions (7):

Labcorp Genetics (formerly Invitae), Labcorp
Classification: Benign for Cerebral folate transport deficiency. Last evaluated: 2026-01-28. Review status: criteria provided, single submitter. Criteria: Invitae Variant Classification Sherloc (09022015). Collection method: clinical testing. Allele origin: germline.

Blueprint Genetics
Classification: Likely benign. Last evaluated: 2024-06-03. Review status: criteria provided, single submitter. Criteria: ACMG Guidelines, 2015. Collection method: clinical testing. Allele origin: germline.

Ambry Genetics
Classification: Likely benign for Inborn genetic diseases. Last evaluated: 2019-12-30. Review status: criteria provided, single submitter. Criteria: Ambry Variant Classification Scheme 2023. Collection method: clinical testing. Allele origin: germline.

GeneDx
Classification: Likely benign. Last evaluated: 2018-03-07. Review status: criteria provided, single submitter. Criteria: GeneDx Variant Classification (06012015). Collection method: clinical testing. Allele origin: germline. Affected: yes.
Comment: This variant is considered likely benign or benign based on one or more of the following criteria: it is a conservative change, it occurs at a poorly conserved position in the protein, it is predicted to be benign by multiple in silico algorithms, and/or has population frequency not consistent with disease.

Illumina Laboratory Services, Illumina
Classification: Likely benign for Cerebral folate transport deficiency. Last evaluated: 2018-01-12. Review status: criteria provided, single submitter. Criteria: ICSL Variant Classification Criteria 13 December 2019. Collection method: clinical testing. Allele origin: germline.
Comment: This variant was observed in the ICSL laboratory as part of a predisposition screen in an ostensibly healthy population. It had not been previously curated by ICSL or reported in the Human Gene Mutation Database (HGMD: prior to June 1st, 2018), and was therefore a candidate for classification through an automated scoring system. Utilizing variant allele frequency, disease prevalence and penetrance estimates, and inheritance mode, an automated score was calculated to assess if this variant is too frequent to cause the disease. Based on the score and internal cut-off values, a variant classified as likely benign is not then subjected to further curation. The score for this variant resulted in a classification of likely benign for this disease.

Eurofins Ntd Llc (ga)
Classification: Uncertain significance. Last evaluated: 2014-01-16. Review status: criteria provided, single submitter. Criteria: EGL Classification Definitions 2015. Collection method: clinical testing. Allele origin: germline. Observed: 1 variant allele, 1 heterozygote.

PreventionGenetics, part of Exact Sciences
Classification: Likely benign for FOLR1-related condition. Last evaluated: 2019-04-26. Review status: no assertion criteria provided. Collection method: clinical testing. Allele origin: germline. Not counted in ClinVar's aggregate classification.
Comment: This variant is classified as likely benign based on ACMG/AMP sequence variant interpretation guidelines (Richards et al. 2015 PMID: 25741868, with internal and published modifications).

NM_016729.3(FOLR1):c.261C>T (p.Asn87=)

Genes: FOLR1 (folate receptor alpha; plus strand), FOLR1-AS1 (FOLR1 antisense RNA 1; minus strand). Cytogenetic location: 11q13.4.
Variant type: single nucleotide variant.
Coding change: c.261C>T on transcript NM_016729.3 (MANE Select); coding-DNA position 261, C replaced by T.
Protein change: p.Asn87=; no amino-acid change (asparagine 87 retained).
Molecular consequence: synonymous variant.
Genome position (GRCh38, 1-based): chr11:72,195,363, C>T. VCF-style: chr11-72195363-C-T. GRCh37 (hg19) VCF-style: chr11-71906407-C-T.
Other names: c.261C>T, p.Asn87= (NM_000802.3, NM_016724.3, NM_016725.3); c.261C>T (NM_016724.2).
Identifiers: ClinVar variation 167083 (VCV000167083.24), dbSNP rs375444839, ClinGen allele CA234024.
Genomic context (GRCh38, chr11:72,195,363, plus strand): 5'-TACCAACACCAGCCAGGAAGCCCATAAGGATGTTTCCTACCTATATAGATTCAACTGGAA[C>T]CACTGTGGAGAGATGGCACCTGCCTGCAAACGGCATTTCATCCAGGACACCTGCCTCTAC-3'
Protein context (NP_057941.1, residues 77-97): DVSYLYRFNW[Asn87=]HCGEMAPACK